The following is an entry in ClinVar:

NM_006891.4(CRYGD):c.448del (p.Asp150fs)

Genes: CRYGD (crystallin gamma D; minus strand), LOC100507443 (uncharacterized LOC100507443; plus strand). Cytogenetic location: 2q33.3.
Variant type: Deletion.
Coding change: c.448del on transcript NM_006891.4 (MANE Select); coding-DNA position 448, one base deleted (G; older notation c.448delG).
Protein change: p.Asp150fs; shifts the reading frame from aspartic acid 150.
Molecular consequence: frameshift variant.
Genome position (GRCh38, 1-based): chr2:208,121,750, C deleted on the plus strand (G on the coding strand, the reverse complement: CRYGD is on the minus strand); the first of 4 consecutive C bases (chr2:208,121,750-208,121,753); deleting any one gives the same sequence. VCF-style (leftmost placement, unchanged base first): chr2-208121749-TC-T. GRCh37 (hg19) VCF-style: chr2-208986473-TC-T.
Other names: short protein forms D150fs.
Identifiers: ClinVar variation 4734043 (VCV004734043.1).

ClinVar aggregate classification (germline): Uncertain significance (1 of 4 stars; one submission).

Conditions:
Aculeiform cataract (CTRCT4). Also called: Fasciculiform cataract; Frosted cataract; Needle-shaped cataract. Identifiers: MedGen C1861832, HP:0010926.

Submission:

Labcorp Genetics (formerly Invitae), Labcorp
Classification: Uncertain significance for Aculeiform cataract. Last evaluated: 2025-12-23. Review status: criteria provided, single submitter. Criteria: Invitae Variant Classification Sherloc (09022015). Collection method: clinical testing. Allele origin: germline.
Comment: This sequence change creates a premature translational stop signal (p.Asp150Thrfs*18) in the CRYGD gene. While this is not anticipated to result in nonsense mediated decay, it is expected to disrupt the last 25 amino acid(s) of the CRYGD protein. This variant is not present in population databases (gnomAD no frequency). This premature translational stop signal has been observed in individual(s) with CRYGD-related conditions (internal data). In summary, the available evidence is currently insufficient to determine the role of this variant in disease. Therefore, it has been classified as a Variant of Uncertain Significance.